The following is an entry in ClinVar:

NM_020765.3(UBR4):c.14599A>T (p.Met4867Leu)

Gene: UBR4 (ubiquitin protein ligase E3 component n-recognin 4; minus strand). Cytogenetic location: 1p36.13.
Variant type: single nucleotide variant.
Coding change: c.14599A>T on transcript NM_020765.3 (MANE Select); coding-DNA position 14599, A replaced by T.
Protein change: p.Met4867Leu; replaces methionine 4867 with leucine.
Molecular consequence: missense variant.
Genome position (GRCh38, 1-based): chr1:19,086,767, T>A on the plus strand (A>T on the coding strand, the complement: UBR4 is on the minus strand). VCF-style: chr1-19086767-T-A. GRCh37 (hg19) VCF-style: chr1-19413261-T-A.
Other names: short protein forms M4867L.
Identifiers: ClinVar variation 3059029 (VCV003059029.2), dbSNP rs12584, ClinGen allele CA648164.

ClinVar aggregate classification (germline): Benign (0 of 4 stars; one submission).

Conditions:
UBR4-related disorder. Also called: UBR4-related condition.

Allele frequency attached by ClinVar (database versions not stated): ESP Exome Variant Server 0.55990; TOPMed 0.58665; 1000 Genomes Project 30x 0.59806; 1000 Genomes Project 0.60144.
gnomAD v4.1: 931,040 of 1,613,724 alleles (58%); highest among the groups gnomAD compares: East Asian, 78%; 271,821 homozygotes.

Submission:

PreventionGenetics, part of Exact Sciences
Classification: Benign for UBR4-related condition. Last evaluated: 2019-07-08. Review status: no assertion criteria provided. Collection method: clinical testing. Allele origin: germline.
Comment: This variant is classified as benign based on ACMG/AMP sequence variant interpretation guidelines (Richards et al. 2015 PMID: 25741868, with internal and published modifications).